The following is an entry in ClinVar:

ClinVar aggregate classification (germline): Pathogenic (1 of 4 stars; one submission).

Conditions:
Methylcobalamin deficiency type cblE (HMAE). Also called: HOMOCYSTINURIA-MEGALOBLASTIC ANEMIA, cblE TYPE; VITAMIN B12-RESPONSIVE HOMOCYSTINURIA, cblE TYPE; HOMOCYSTINURIA-MEGALOBLASTIC ANEMIA, cblE COMPLEMENTATION TYPE. Identifiers: Orphanet 2169, Orphanet 622, MedGen C1856057, MONDO:0009354, OMIM 236270.

Submission:

Labcorp Genetics (formerly Invitae), Labcorp
Classification: Pathogenic for Methylcobalamin deficiency type cblE. Last evaluated: 2023-08-02. Review status: criteria provided, single submitter. Criteria: Invitae Variant Classification Sherloc (09022015). Collection method: clinical testing. Allele origin: germline.
Comment: This variant is not present in population databases (gnomAD no frequency). This sequence change creates a premature translational stop signal (p.Trp492Glyfs*50) in the MTRR gene. It is expected to result in an absent or disrupted protein product. Loss-of-function variants in MTRR are known to be pathogenic (PMID: 15714522). This variant has not been reported in the literature in individuals affected with MTRR-related conditions. For these reasons, this variant has been classified as Pathogenic.

Literature cited by the submitters: PubMed 15714522.

NM_002454.3(MTRR):c.1474del (p.Trp492fs)

Gene: MTRR (5-methyltetrahydrofolate-homocysteine methyltransferase reductase; plus strand). Cytogenetic location: 5p15.31.
Variant type: Deletion.
Coding change: c.1474del on transcript NM_002454.3 (MANE Select); coding-DNA position 1474, one base deleted (T; older notation c.1474delT).
Protein change: p.Trp492fs; shifts the reading frame from tryptophan 492.
Molecular consequence: frameshift variant. On other transcripts: non-coding transcript variant (14).
Genome position (GRCh38, 1-based): chr5:7,892,830, T deleted. VCF-style (leftmost placement, unchanged base first): chr5-7892829-CT-C. GRCh37 (hg19) VCF-style: chr5-7892942-CT-C.
Other names: c.1474del, p.Trp492fs (NM_001364440.2, NM_001364441.2, NM_001364442.2 and 1 more transcripts); short protein forms W492fs.
Identifiers: ClinVar variation 3015857 (VCV003015857.3), dbSNP rs2479102700, ClinGen allele CA2740091685.
Genomic context (GRCh38, chr5:7,892,829, plus strand): 5'-CATTGTGGAATTTCTGTCTACTGCCACAACAGAGGTTCTGCGGAAGGGAGTATGTACAGG[CT>C]GGCTGGCCTTGTTGGTTGCTTCAGTTCTTCAGCCAAACATACATGCATCCCATGAAGACA-3'